The following is an entry in ClinVar:

NM_001370259.2(MEN1):c.490_506dup (p.Leu170fs)

Gene: MEN1 (menin 1; minus strand). Cytogenetic location: 11q13.1.
Variant type: Duplication.
Coding change: c.490_506dup on transcript NM_001370259.2 (MANE Select); coding-DNA positions 490 to 506, 17 bases duplicated (GCCTGCCAGGCCCTGGG).
Protein change: p.Leu170fs; shifts the reading frame from leucine 170.
Molecular consequence: frameshift variant. On other transcripts: non-coding transcript variant (4).
Genome position (GRCh38, 1-based): chr11:64,808,039-64,808,055, CCCAGGGCCTGGCAGGC duplicated on the plus strand (GCCTGCCAGGCCCTGGG on the coding strand, the reverse complement: MEN1 is on the minus strand); duplicating any 17 consecutive bases within chr11:64,808,039-64,808,059 gives the same sequence; the c. name uses the placement nearest the transcript's 3' end. VCF-style (leftmost placement, unchanged base first): chr11-64808038-A-ACCCAGGGCCTGGCAGGC. GRCh37 (hg19) VCF-style: chr11-64575510-A-ACCCAGGGCCTGGCAGGC.
Other names: c.490_506dup, p.Leu170fs (NM_001407152.1, NM_130799.3, NM_001370251.2 and 12 more transcripts); c.505_521dup, p.Leu175fs (NM_130800.3, NM_130801.3, NM_130802.3 and 5 more transcripts); c.490_506dupGCCTGCCAGGCCCTGGG (NM_130799.2); short protein forms L170fs, L175fs.
Identifiers: ClinVar variation 3294226 (VCV003294226.1).

ClinVar aggregate classification (germline): Pathogenic (1 of 4 stars; one submission).

Conditions:
Hereditary cancer-predisposing syndrome. Also called: Tumor predisposition; Hereditary Cancer Syndrome; Hereditary neoplastic syndrome; Neoplastic Syndromes, Hereditary. Identifiers: Orphanet 140162, MedGen C0027672, MeSH D009386, MONDO:0015356.

Submission:

Ambry Genetics
Classification: Pathogenic for Hereditary cancer-predisposing syndrome. Last evaluated: 2024-06-14. Review status: criteria provided, single submitter. Criteria: Ambry Variant Classification Scheme 2023. Collection method: clinical testing. Allele origin: germline.
Comment: The c.490_506dup17 variant, located in coding exon 2 of the MEN1 gene, results from a duplication of GCCTGCCAGGCCCTGGG at nucleotide position 490, causing a translational frameshift with a predicted alternate stop codon (p.L170Pfs*21). This variant has been observed in at least one individual with a personal and/or family history that is consistent with multiple endocrine neoplasia type 1 (Ambry internal data). This variant is considered to be rare based on population cohorts in the Genome Aggregation Database (gnomAD). This alteration is expected to result in loss of function by premature protein truncation or nonsense-mediated mRNA decay. As such, this alteration is interpreted as a disease-causing mutation.